The following is an entry in ClinVar:

ClinVar aggregate classification (germline): Pathogenic/Likely pathogenic. Review status: criteria provided, multiple submitters, no conflicts (2 of 4 stars). 6 submissions from 5 submitters: Pathogenic (2); Likely pathogenic (2). 2 of the submissions do not count toward it. Last evaluated 2025-06-24.

Conditions:
AHI1-related disorder. Also called: AHI1-related condition.
Joubert syndrome 3 (JBTS3). Also called: AHI1-related Ciliopathy. Identifiers: Orphanet 220493, MedGen C1837713, MONDO:0012078, OMIM 608629.
Global developmental delay (DD). Also called: Cognitive delay. Identifiers: MedGen C0557874, HP:0001263. Disease mechanism: loss of function.
Typical Joubert syndrome MRI findings. Identifiers: MedGen CN228298.

Allele frequency attached by ClinVar (database versions not stated): gnomAD exomes below 0.00001.
gnomAD v4.1: 3 of 1,595,148 alleles (0.00019%); highest among the groups gnomAD compares: Middle Eastern, 0.017%; no homozygotes.

Submissions (6):

3billion
Classification: Likely pathogenic for Joubert syndrome 3. Last evaluated: 2025-06-24. Review status: criteria provided, single submitter. Criteria: ACMG Guidelines, 2015. Collection method: clinical testing. Allele origin: germline. Affected: yes.
Comment: The variant is observed at an extremely low frequency in the gnomAD v4.1.0 dataset (total allele frequency: <0.001%). Predicted Consequence/Location: Missense variant. The majority of the known disease-causing variants of this gene are variants expected to result in premature termination of the protein. In silico tool predictions suggest damaging effect of the variant on gene or gene product [REVEL: 0.84 (>=0.6, sensitivity 0.68 and specificity 0.92)]. The same nucleotide change resulting in the same amino acid change has been previously reported as pathogenic/likely pathogenic with strong evidence (ClinVar ID: VCV000002012 /PMID: 15322546). No sentences Therefore, this variant is classified as Likely pathogenic according to the recommendation of ACMG/AMP guideline.

Genomic Medicine Center of Excellence, King Faisal Specialist Hospital and Research Centre
Classification: Likely pathogenic for Joubert syndrome 3. Last evaluated: 2024-03-17. Review status: criteria provided, single submitter. Criteria: ACMG Guidelines, 2015. Collection method: research. Allele origin: germline.

Revvity Omics, Revvity
Classification: Pathogenic for Joubert syndrome 3. Last evaluated: 2023-11-17. Review status: criteria provided, single submitter. Criteria: ACMG Guidelines, 2015. Collection method: clinical testing. Allele origin: germline.

Blueprint Genetics
Classification: Pathogenic for AHI1-related disorders. Last evaluated: 2021-04-09. Review status: criteria provided, single submitter. Criteria: ACMG Guidelines, 2015. Collection method: clinical testing. Allele origin: germline. Affected: yes. Observed: 5 variant alleles.

Genomic Medicine Center of Excellence, King Faisal Specialist Hospital and Research Centre
Classification: Likely pathogenic for Global developmental delay; Typical Joubert syndrome MRI findings. Last evaluated: 2014-12-01. Review status: no assertion criteria provided. Criteria: research. Collection method: research. Allele origin: germline. Affected: yes. Not counted in ClinVar's aggregate classification.

OMIM
Classification: Pathogenic for JOUBERT SYNDROME 3. Last evaluated: 2013-05-10. Review status: no assertion criteria provided. Collection method: literature only. Allele origin: germline. Not counted in ClinVar's aggregate classification.

Literature cited by the submitters: PubMed 15322546 (cited by 3billion and OMIM); PubMed 25558065 (cited by Genomic Medicine Center of Excellence, King Faisal Specialist Hospital and Research Centre); PubMed 23532844 (cited by OMIM).

NM_001134831.2(AHI1):c.1328T>A (p.Val443Asp)

Gene: AHI1 (Abelson helper integration site 1; minus strand). Cytogenetic location: 6q23.3.
Variant type: single nucleotide variant.
Coding change: c.1328T>A on transcript NM_001134831.2 (MANE Select); coding-DNA position 1328, T replaced by A.
Protein change: p.Val443Asp; replaces valine 443 with aspartic acid.
Molecular consequence: missense variant.
Genome position (GRCh38, 1-based): chr6:135,455,750, A>T on the plus strand (T>A on the coding strand, the complement: AHI1 is on the minus strand). VCF-style: chr6-135455750-A-T. GRCh37 (hg19) VCF-style: chr6-135776888-A-T.
Other names: c.1328T>A, p.Val443Asp (NM_001134830.2, NM_001134832.2, NM_001350503.2 and 2 more transcripts); c.1328T>A (NM_017651.4, NM_001134830.1); short protein forms V443D.
Identifiers: ClinVar variation 2012 (VCV000002012.7), dbSNP rs121434350, ClinGen allele CA249938.